The following is an entry in ClinVar:

NM_005004.4(NDUFB8):c.347G>A (p.Arg116His)

Gene: NDUFB8 (NADH:ubiquinone oxidoreductase subunit B8; minus strand). Cytogenetic location: 10q24.31.
Variant type: single nucleotide variant.
Coding change: c.347G>A on transcript NM_005004.4 (MANE Select); coding-DNA position 347, G replaced by A.
Protein change: p.Arg116His; replaces arginine 116 with histidine.
Molecular consequence: missense variant.
Genome position (GRCh38, 1-based): chr10:100,526,520, C>T on the plus strand (G>A on the coding strand, the complement: NDUFB8 is on the minus strand). VCF-style: chr10-100526520-C-T. GRCh37 (hg19) VCF-style: chr10-102286277-C-T.
Other names: c.347G>A, p.Arg116His (NM_001284367.2); c.254G>A, p.Arg85His (NM_001284368.1); c.347G>A (NM_005004.2); short protein forms R116H, R85H.
Identifiers: ClinVar variation 2161981 (VCV002161981.6), dbSNP rs200080913, ClinGen allele CA5650166.

ClinVar aggregate classification (germline): Uncertain significance. Review status: criteria provided, multiple submitters, no conflicts (2 of 4 stars). 2 submissions from 2 submitters: Uncertain significance (2). Last evaluated 2024-10-03.

Conditions:
Inborn genetic diseases. Identifiers: MedGen C0950123, MeSH D030342.

Allele frequency attached by ClinVar (database versions not stated): ExAC 0.00007; gnomAD 0.00007; ESP Exome Variant Server 0.00008; TOPMed 0.00008; gnomAD exomes 0.00009.
gnomAD v4.1: 144 of 1,612,472 alleles (0.0089%); highest among the groups gnomAD compares: Middle Eastern, 0.033%; no homozygotes.

Submissions (2):

Ambry Genetics
Classification: Uncertain significance for Inborn genetic diseases. Last evaluated: 2024-10-03. Review status: criteria provided, single submitter. Criteria: Ambry Variant Classification Scheme 2023. Collection method: clinical testing. Allele origin: germline.

Labcorp Genetics (formerly Invitae), Labcorp
Classification: Uncertain significance. Last evaluated: 2024-02-23. Review status: criteria provided, single submitter. Criteria: Invitae Variant Classification Sherloc (09022015). Collection method: clinical testing. Allele origin: germline.
Comment: This sequence change replaces arginine, which is basic and polar, with histidine, which is basic and polar, at codon 116 of the NDUFB8 protein (p.Arg116His). This variant is present in population databases (rs200080913, gnomAD 0.01%). This variant has not been reported in the literature in individuals affected with NDUFB8-related conditions. ClinVar contains an entry for this variant (Variation ID: 2161981). An algorithm developed to predict the effect of missense changes on protein structure and function (PolyPhen-2) suggests that this variant is likely to be disruptive. In summary, the available evidence is currently insufficient to determine the role of this variant in disease. Therefore, it has been classified as a Variant of Uncertain Significance.